The following is an entry in ClinVar:

ClinVar aggregate classification (germline): Conflicting classifications of pathogenicity. Review status: criteria provided, conflicting classifications (1 of 4 stars). 2 submissions from 2 submitters: Pathogenic (1); Uncertain significance (1). Last evaluated 2022-05-13.

Conditions:
Neurodevelopmental disorder with cerebellar atrophy and with or without seizures. Identifiers: MedGen C4748032, MONDO:0020841, OMIM 618056.
Neonatal-onset encephalopathy with rigidity and seizures. Also called: Lethal neonatal spasticity-epileptic encephalopathy syndrome. Identifiers: Orphanet 435845, MedGen C3281029, MONDO:0013784, OMIM 614498.

Submissions (2):

Laboratory of Human Genetics, Universidade de São Paulo
Classification: Pathogenic for Neurodevelopmental disorder with cerebellar atrophy and with or without seizures. Last evaluated: 2022-05-13. Review status: criteria provided, single submitter. Criteria: ACMG Guidelines, 2015. Collection method: research. Allele origin: paternal. Affected: yes. Observed: 2 variant alleles, 2 compound heterozygotes. Clinical features observed: Microcephaly (HP:0000252).
Comment: This variant meets our criteria to be classified as pathogenic based upon segregation studies, absence from controls, and in-silico evaluation of pathogenicity.

Labcorp Genetics (formerly Invitae), Labcorp
Classification: Uncertain significance for Neonatal-onset encephalopathy with rigidity and seizures. Last evaluated: 2020-09-25. Review status: criteria provided, single submitter. Criteria: Invitae Variant Classification Sherloc (09022015). Collection method: clinical testing. Allele origin: germline.
Comment: This variant has not been reported in the literature in individuals with BRAT1-related conditions. In summary, the available evidence is currently insufficient to determine the role of this variant in disease. Therefore, it has been classified as a Variant of Uncertain Significance. This sequence change results in a frameshift in the BRAT1 gene (p.Leu779Argfs*99). While this is not anticipated to result in nonsense mediated decay, it is expected to disrupt the last 43 amino acids of the BRAT1 protein and extend the protein by an additional 55 amino acids. This variant is not present in population databases (ExAC no frequency).

NM_152743.4(BRAT1):c.2334_2335del (p.Leu779fs)

Gene: BRAT1 (BRCA1 associated ATM activator 1; minus strand). Cytogenetic location: 7p22.3.
Variant type: Deletion.
Coding change: c.2334_2335del on transcript NM_152743.4 (MANE Select); coding-DNA positions 2334 to 2335, 2 bases deleted (CC; older notation c.2334_2335delCC).
Protein change: p.Leu779fs; shifts the reading frame from leucine 779.
Molecular consequence: frameshift variant. On other transcripts: non-coding transcript variant (1).
Genome position (GRCh38, 1-based): chr7:2,538,200-2,538,201, GG deleted on the plus strand (CC on the coding strand, the reverse complement: BRAT1 is on the minus strand); deleting any 2 consecutive bases within chr7:2,538,200-2,538,202 gives the same sequence; the c. name uses the placement nearest the transcript's 3' end. VCF-style (leftmost placement, unchanged base first): chr7-2538199-AGG-A. GRCh37 (hg19) VCF-style: chr7-2577833-AGG-A.
Other names: c.2514_2515del, p.Leu839fs (NM_001350626.2); c.1809_1810del, p.Leu604fs (NM_001350627.2); c.2334_2335delCC (NM_152743.4); short protein forms L839fs, L604fs, L779fs.
Identifiers: ClinVar variation 1006666 (VCV001006666.7), dbSNP rs1778831733, ClinGen allele CA1683198319.